The following is an entry in ClinVar:

ClinVar aggregate classification (germline): Uncertain significance (1 of 4 stars; one submission).

Submission:

Labcorp Genetics (formerly Invitae), Labcorp
Classification: Uncertain significance. Last evaluated: 2021-07-04. Review status: criteria provided, single submitter. Criteria: Invitae Variant Classification Sherloc (09022015). Collection method: clinical testing. Allele origin: germline.
Comment: In summary, the available evidence is currently insufficient to determine the role of this variant in disease. Therefore, it has been classified as a Variant of Uncertain Significance. Algorithms developed to predict the effect of sequence changes on RNA splicing suggest that this variant may create or strengthen a splice site. Advanced modeling of protein sequence and biophysical properties (such as structural, functional, and spatial information, amino acid conservation, physicochemical variation, residue mobility, and thermodynamic stability) performed at Invitae indicates that this missense variant is expected to disrupt MYO7A protein function. This variant has not been reported in the literature in individuals affected with MYO7A-related conditions. This variant is not present in population databases (ExAC no frequency). This sequence change replaces aspartic acid with glycine at codon 511 of the MYO7A protein (p.Asp511Gly). The aspartic acid residue is highly conserved and there is a moderate physicochemical difference between aspartic acid and glycine.

NM_000260.4(MYO7A):c.1532A>G (p.Asp511Gly)

Gene: MYO7A (myosin VIIA; plus strand). Cytogenetic location: 11q13.5.
Variant type: single nucleotide variant.
Coding change: c.1532A>G on transcript NM_000260.4 (MANE Select); coding-DNA position 1532, A replaced by G.
Protein change: p.Asp511Gly; replaces aspartic acid 511 with glycine.
Molecular consequence: missense variant.
Genome position (GRCh38, 1-based): chr11:77,162,308, A>G. VCF-style: chr11-77162308-A-G. GRCh37 (hg19) VCF-style: chr11-76873354-A-G.
Other names: c.1532A>G, p.Asp511Gly (NM_001127180.2); c.1499A>G, p.Asp500Gly (NM_001369365.1); short protein forms D500G, D511G.
Identifiers: ClinVar variation 1503663 (VCV001503663.8), dbSNP rs2135304159, ClinGen allele CA381935772.